The following is an entry in ClinVar:

NM_001330360.2(POLA1):c.92A>G (p.Lys31Arg)

Gene: POLA1 (DNA polymerase alpha 1, catalytic subunit; plus strand). Cytogenetic location: Xp22.11.
Variant type: single nucleotide variant.
Coding change: c.92A>G on transcript NM_001330360.2 (MANE Select); coding-DNA position 92, A replaced by G.
Protein change: p.Lys31Arg; replaces lysine 31 with arginine.
Molecular consequence: missense variant. On other transcripts: non-coding transcript variant (2).
Genome position (GRCh38, 1-based): chrX:24,699,473, A>G. VCF-style: chrX-24699473-A-G. GRCh37 (hg19) VCF-style: chrX-24717590-A-G.
Other names: c.92A>G, p.Lys31Arg (NM_001378303.1); c.74A>G, p.Lys25Arg (NM_016937.4); short protein forms K31R, K25R.
Identifiers: ClinVar variation 2001806 (VCV002001806.4), dbSNP rs772554190, ClinGen allele CA10372710.

ClinVar aggregate classification (germline): Uncertain significance (1 of 4 stars; one submission).

Allele frequency attached by ClinVar (database versions not stated): gnomAD exomes below 0.00001; gnomAD 0.00001; TOPMed 0.00001; ExAC 0.00002.
gnomAD v4.1: 3 of 1,187,686 alleles (0.00025%); highest among the groups gnomAD compares: Non-Finnish European, 0.00034%; no homozygotes.

Submission:

Labcorp Genetics (formerly Invitae), Labcorp
Classification: Uncertain significance. Last evaluated: 2022-06-01. Review status: criteria provided, single submitter. Criteria: Invitae Variant Classification Sherloc (09022015). Collection method: clinical testing. Allele origin: germline.
Comment: This sequence change replaces lysine, which is basic and polar, with arginine, which is basic and polar, at codon 25 of the POLA1 protein (p.Lys25Arg). The frequency data for this variant in the population databases is considered unreliable, as metrics indicate poor data quality at this position in the gnomAD database. This variant has not been reported in the literature in individuals affected with POLA1-related conditions. Algorithms developed to predict the effect of missense changes on protein structure and function are either unavailable or do not agree on the potential impact of this missense change (SIFT: "Tolerated"; PolyPhen-2: "Probably Damaging"; Align-GVGD: "Class C0"). In summary, the available evidence is currently insufficient to determine the role of this variant in disease. Therefore, it has been classified as a Variant of Uncertain Significance.